The following is an entry in ClinVar:

NM_001376013.1(EPB41):c.635G>A (p.Cys212Tyr)

Gene: EPB41 (erythrocyte membrane protein band 4.1; plus strand). Cytogenetic location: 1p35.3.
Variant type: single nucleotide variant.
Coding change: c.635G>A on transcript NM_001376013.1 (MANE Select); coding-DNA position 635, G replaced by A.
Protein change: p.Cys212Tyr; replaces cysteine 212 with tyrosine.
Molecular consequence: missense variant.
Genome position (GRCh38, 1-based): chr1:28,993,496, G>A. VCF-style: chr1-28993496-G-A. GRCh37 (hg19) VCF-style: chr1-29320008-G-A.
Other names: p.Cys212Tyr; c.635G>A (NM_001166005.1); c.635G>A, p.Cys212Tyr (NM_001166005.2, NM_001166006.2, NM_001376014.1 and 8 more transcripts); c.8G>A, p.Cys3Tyr (NM_001166007.2, NM_001376022.1, NM_001376023.1 and 7 more transcripts); short protein forms C212Y, C3Y.
Identifiers: ClinVar variation 1302938 (VCV001302938.5), dbSNP rs746430671, ClinGen allele CA724254.

ClinVar aggregate classification (germline): Uncertain significance. Review status: criteria provided, multiple submitters, no conflicts (2 of 4 stars). 4 submissions from 4 submitters: Uncertain significance (4). Last evaluated 2025-09-10.

Conditions:
EPB41-related disorder. Also called: EPB41-related condition.

Allele frequency attached by ClinVar (database versions not stated): gnomAD exomes 0.00001 and 0.00002; ExAC 0.00002; gnomAD 0.00002; TOPMed 0.00002.
gnomAD v4.1: 40 of 1,613,928 alleles (0.0025%); highest among the groups gnomAD compares: Middle Eastern, 0.25%; 1 homozygote.

Submissions (4):

PreventionGenetics, part of Exact Sciences
Classification: Uncertain significance for EPB41-related condition. Last evaluated: 2025-09-10. Review status: criteria provided, single submitter. Criteria: ACMG Guidelines, 2015. Collection method: clinical testing. Allele origin: germline.
Comment: The EPB41 c.8G>A variant is predicted to result in the amino acid substitution p.Cys3Tyr. To our knowledge, this variant has not been reported in the literature in affected individuals. This variant is reported in 0.0015% of alleles in individuals of European (Non-Finnish) descent in gnomAD. At this time, the clinical significance of this variant is uncertain due to the absence of conclusive functional and genetic evidence.

Mayo Clinic Laboratories, Mayo Clinic
Classification: Uncertain significance. Last evaluated: 2024-08-23. Review status: criteria provided, single submitter. Criteria: ACMG Guidelines, 2015. Collection method: clinical testing. Allele origin: germline. Observed: 1 variant allele.
Comment: PP3, PM2

GeneDx
Classification: Uncertain significance. Last evaluated: 2020-10-12. Review status: criteria provided, single submitter. Criteria: GeneDx Variant Classification Process June 2021. Collection method: clinical testing. Allele origin: germline. Affected: yes.
Comment: Not observed at a significant frequency in large population cohorts (Lek et al., 2016); In silico analysis supports that this missense variant has a deleterious effect on protein structure/function; Has not been previously published as pathogenic or benign to our knowledge

Breakthrough Genomics
Classification: Uncertain significance. Review status: criteria provided, single submitter. Criteria: ACMG Guidelines, 2015. Collection method: not provided. Allele origin: germline. Inheritance: Autosomal recessive inheritance. Affected: yes.

Literature cited by the submitters: PubMed 24123366 (cited by Mayo Clinic Laboratories, Mayo Clinic).